The following is an entry in ClinVar:

Single allele

Gene: DMD (dystrophin; minus strand). Cytogenetic location: Xp21.1.
Variant type: Deletion.
Identifiers: ClinVar variation 1807266 (VCV001807266.1).

ClinVar aggregate classification (germline): Pathogenic (1 of 4 stars; one submission).

Submission:

Athena Diagnostics
Classification: Pathogenic. Last evaluated: 2022-02-28. Review status: criteria provided, single submitter. Criteria: Athena Diagnostics Criteria. Collection method: clinical testing. Allele origin: unknown.
Comment: Similar deletions of exons 10-29 have been reported in multiple males described as having Becker muscular dystrophy (BMD), or in males where the type of dystrophinopathy was not specified. Similar variants have not been reported in large, multi-ethnic general populations.

Literature cited by the submitters: PubMed 22776072; PubMed 20036901; PubMed 34679607; PubMed 33101180; PubMed 32194622.